The following is an entry in ClinVar:

ClinVar aggregate classification (germline): Uncertain significance (1 of 4 stars; one submission).

Allele frequency attached by ClinVar (database versions not stated): gnomAD exomes 0.00001; TOPMed 0.00001.
gnomAD v4.1: 15 of 1,613,392 alleles (0.00093%); highest among the groups gnomAD compares: Non-Finnish European, 0.0012%; no homozygotes.

Submission:

Labcorp Genetics (formerly Invitae), Labcorp
Classification: Uncertain significance. Last evaluated: 2023-08-30. Review status: criteria provided, single submitter. Criteria: Invitae Variant Classification Sherloc (09022015). Collection method: clinical testing. Allele origin: germline.
Comment: In summary, the available evidence is currently insufficient to determine the role of this variant in disease. Therefore, it has been classified as a Variant of Uncertain Significance. An algorithm developed to predict the effect of missense changes on protein structure and function (PolyPhen-2) suggests that this variant is likely to be disruptive. ClinVar contains an entry for this variant (Variation ID: 1990506). This variant has not been reported in the literature in individuals affected with TMEM199-related conditions. This variant is not present in population databases (gnomAD no frequency). This sequence change replaces alanine, which is neutral and non-polar, with valine, which is neutral and non-polar, at codon 176 of the TMEM199 protein (p.Ala176Val).

NM_152464.3(VMA12):c.527C>T (p.Ala176Val)

Gene: VMA12 (vacuolar ATPase assembly factor VMA12; plus strand). Cytogenetic location: 17q11.2.
Variant type: single nucleotide variant.
Coding change: c.527C>T on transcript NM_152464.3 (MANE Select); coding-DNA position 527, C replaced by T.
Protein change: p.Ala176Val; replaces alanine 176 with valine.
Molecular consequence: missense variant.
Genome position (GRCh38, 1-based): chr17:28,360,843, C>T. VCF-style: chr17-28360843-C-T. GRCh37 (hg19) VCF-style: chr17-26687866-C-T.
Other names: short protein forms A176V.
Identifiers: ClinVar variation 1990506 (VCV001990506.4), dbSNP rs1286340977, ClinGen allele CA398316350.